The following is an entry in ClinVar:

NM_001142966.3(GREB1L):c.307A>G (p.Ile103Val)

Genes: GREB1L (GREB1 like retinoic acid receptor coactivator; plus strand), GREB1L-AS1 (GREB1L antisense RNA 1; minus strand). Cytogenetic location: 18q11.1.
Variant type: single nucleotide variant.
Coding change: c.307A>G on transcript NM_001142966.3 (MANE Select); coding-DNA position 307, A replaced by G.
Protein change: p.Ile103Val; replaces isoleucine 103 with valine.
Molecular consequence: missense variant.
Genome position (GRCh38, 1-based): chr18:21,384,355, A>G. VCF-style: chr18-21384355-A-G. GRCh37 (hg19) VCF-style: chr18-18964316-A-G.
Other names: c.307A>G, p.Ile103Val (NM_001410867.1, NM_001410868.1); short protein forms I103V.
Identifiers: ClinVar variation 3611026 (VCV003611026.2).

ClinVar aggregate classification (germline): Uncertain significance (1 of 4 stars; one submission).

Submission:

Labcorp Genetics (formerly Invitae), Labcorp
Classification: Uncertain significance. Last evaluated: 2025-12-15. Review status: criteria provided, single submitter. Criteria: Invitae Variant Classification Sherloc (09022015). Collection method: clinical testing. Allele origin: germline.
Comment: This sequence change replaces isoleucine, which is neutral and non-polar, with valine, which is neutral and non-polar, at codon 103 of the GREB1L protein (p.Ile103Val). This variant is present in population databases (no rsID available, gnomAD 0.01%). This variant has not been reported in the literature in individuals affected with GREB1L-related conditions. ClinVar contains an entry for this variant (Variation ID: 3611026). An algorithm developed to predict the effect of missense changes on protein structure and function (PolyPhen-2) suggests that this variant is likely to be tolerated. In summary, the available evidence is currently insufficient to determine the role of this variant in disease. Therefore, it has been classified as a Variant of Uncertain Significance.